The following is an entry in ClinVar:

NM_181552.4(CUX1):c.721C>A (p.Gln241Lys)

Gene: CUX1 (cut like homeobox 1; plus strand). Cytogenetic location: 7q22.1.
Variant type: single nucleotide variant.
Coding change: c.721C>A on transcript NM_181552.4 (MANE Select); coding-DNA position 721, C replaced by A.
Protein change: p.Gln241Lys; replaces glutamine 241 with lysine.
Molecular consequence: missense variant.
Genome position (GRCh38, 1-based): chr7:102,158,606, C>A. VCF-style: chr7-102158606-C-A. GRCh37 (hg19) VCF-style: chr7-101801886-C-A.
Other names: c.754C>A, p.Gln252Lys (NM_001202543.2, NM_001913.5, NM_181500.4); c.706C>A, p.Gln236Lys (NM_001202544.3); c.616C>A, p.Gln206Lys (NM_001202545.3); c.643C>A, p.Gln215Lys (NM_001202546.3); short protein forms Q206K, Q215K, Q236K, Q241K, Q252K.
Identifiers: ClinVar variation 2631296 (VCV002631296.1), dbSNP rs2484681871, ClinGen allele CA368677267.

ClinVar aggregate classification (germline): Uncertain significance (1 of 4 stars; one submission).

Conditions:
CUX1-related disorder. Also called: CUX1-related condition.

Submission:

PreventionGenetics, part of Exact Sciences
Classification: Uncertain significance for CUX1-related condition. Last evaluated: 2023-07-03. Review status: criteria provided, single submitter. Criteria: ACMG Guidelines, 2015. Collection method: clinical testing. Allele origin: germline.
Comment: The CUX1 c.754C>A variant is predicted to result in the amino acid substitution p.Gln252Lys. To our knowledge, this variant has not been reported in the literature or in a large population database, indicating this variant is rare. At this time, the clinical significance of this variant is uncertain due to the absence of conclusive functional and genetic evidence.